The following is an entry in ClinVar:

ClinVar aggregate classification (germline): Pathogenic (1 of 4 stars; one submission).

Conditions:
Vascular malformation. Also called: Vascular malformations. Identifiers: MedGen C0158570, MONDO:0024291.

Submission:

Clinical Genomics Laboratory, Washington University in St. Louis
Classification: Pathogenic for Vascular malformation. Last evaluated: 2024-09-27. Review status: criteria provided, single submitter. Criteria: Leon-Quintero et al. (Clin Genet. 2025). Collection method: clinical testing. Allele origin: somatic. Affected: yes.
Comment: A GNA11 c.546_547delinsTT (p.Arg183Cys) variant was identified at an allelic fraction consistent with somatic origin. The same amino acid change (p.Arg183Cys) resulting from a different nucleotide change (c.547C>T) has been reported in multiple individuals affected with capillary malformations (Thomas AC et al. PMID: 26778290; Siegel DH et al. PMID: 29174369; Polubothu S et al. PMID: 31838126). The GNA11 c.546_547delinsTT (p.Arg183Cys) variant has been reported in eight cases in the cancer database COSMIC (Genomic Mutation ID COSV50017985). It is absent from the general population (gnomAD v.4.1.0), indicating it is not a common variant. It resides within the GTP-binding site of GNA11, which is critical for its function and constitutes a mutational hotspot (Conklin BR et al., PMID: 1309740; Van Raamsdonk CD et al., PMID: 21083380; O'Hayre M et al., PMID: 23640210). Functional studies demonstrate that the p.Arg183Cys variant leads to increased mitogen-activated protein kinase (MAPK) signaling and cellular proliferation in multiple cell lines (Thomas AC et al., PMID: 26778290; Ma J et al., PMID: 33262460). Based on available information and an internally developed protocol informed by the ACMG/AMP guidelines for variant interpretation and gene-specific practices from the ClinGen Criteria Specification Registry (Leon-Quintero FZ et al., PMID: 39434542), the GNA11 c.546_547delinsTT (p.Arg183Cys) variant is classified as pathogenic.

NM_002067.5(GNA11):c.546_547delinsTT (p.Arg183Cys)

Gene: GNA11 (G protein subunit alpha 11; plus strand). Cytogenetic location: 19p13.3.
Variant type: Indel.
Coding change: c.546_547delinsTT on transcript NM_002067.5 (MANE Select); coding-DNA positions 546 to 547, CC replaced by TT.
Protein change: p.Arg183Cys; replaces arginine 183 with cysteine.
Molecular consequence: missense variant.
Genome position (GRCh38, 1-based): chr19:3,115,013-3,115,014, CC replaced by TT. VCF-style: chr19-3115013-CC-TT. GRCh37 (hg19) VCF-style: chr19-3115011-CC-TT.
Other names: short protein forms R183C.
Identifiers: ClinVar variation 3774519 (VCV003774519.1).